The following is an entry in ClinVar:

ClinVar aggregate classification (germline): Uncertain significance (1 of 4 stars; one submission).

Allele frequency attached by ClinVar (database versions not stated): ExAC 0.00008; gnomAD exomes 0.00008 and 0.00032; gnomAD 0.00011 and 0.00012; TOPMed 0.00012; 1000 Genomes Project 0.00020; 1000 Genomes Project 30x 0.00031.
gnomAD v4.1: 478 of 1,613,972 alleles (0.03%); highest among the groups gnomAD compares: Non-Finnish European, 0.039%; 2 homozygotes.

Submission:

Labcorp Genetics (formerly Invitae), Labcorp
Classification: Uncertain significance. Last evaluated: 2024-04-29. Review status: criteria provided, single submitter. Criteria: Invitae Variant Classification Sherloc (09022015). Collection method: clinical testing. Allele origin: germline.
Comment: This sequence change replaces arginine, which is basic and polar, with isoleucine, which is neutral and non-polar, at codon 580 of the FAT1 protein (p.Arg580Ile). This variant is present in population databases (rs146987028, gnomAD 0.02%). This variant has not been reported in the literature in individuals affected with FAT1-related conditions. ClinVar contains an entry for this variant (Variation ID: 1391086). Advanced modeling of protein sequence and biophysical properties (such as structural, functional, and spatial information, amino acid conservation, physicochemical variation, residue mobility, and thermodynamic stability) performed at Invitae indicates that this missense variant is expected to disrupt FAT1 protein function with a positive predictive value of 80%. In summary, the available evidence is currently insufficient to determine the role of this variant in disease. Therefore, it has been classified as a Variant of Uncertain Significance.

NM_005245.4(FAT1):c.1739G>T (p.Arg580Ile)

Gene: FAT1 (FAT atypical cadherin 1; minus strand). Cytogenetic location: 4q35.2.
Variant type: single nucleotide variant.
Coding change: c.1739G>T on transcript NM_005245.4 (MANE Select); coding-DNA position 1739, G replaced by T.
Protein change: p.Arg580Ile; replaces arginine 580 with isoleucine.
Molecular consequence: missense variant.
Genome position (GRCh38, 1-based): chr4:186,708,089, C>A on the plus strand (G>T on the coding strand, the complement: FAT1 is on the minus strand). VCF-style: chr4-186708089-C-A. GRCh37 (hg19) VCF-style: chr4-187629243-C-A.
Other names: short protein forms R580I.
Identifiers: ClinVar variation 1391086 (VCV001391086.7), dbSNP rs146987028, ClinGen allele CA3167399.
Genomic context (GRCh38, chr4:186,708,089, plus strand): 5'-TGAAGTTCATCTGCATCAATAGCAGAAACAGTGGTTATTTGCTCTCCCACGCCTAGATCT[C>A]TGGGAATTGTCCCTTCACAATTTATTTTCTCAAACAAAGGTGTGTTGTCATTCAAGTTAT-3'
Protein context (NP_005236.2, residues 570-590): EKINCEGTIP[Arg580Ile]DLGVGEQITT